The following is an entry in ClinVar:

ClinVar aggregate classification (germline): Uncertain significance (1 of 4 stars; one submission).

Conditions:
Hereditary cancer-predisposing syndrome. Also called: Neoplastic Syndromes, Hereditary; Tumor predisposition; Hereditary Cancer Syndrome; Hereditary neoplastic syndrome. Identifiers: Orphanet 140162, MedGen C0027672, MeSH D009386, MONDO:0015356.

Submission:

Ambry Genetics
Classification: Uncertain significance for Hereditary cancer-predisposing syndrome. Last evaluated: 2026-04-01. Review status: criteria provided, single submitter. Criteria: Ambry Variant Classification Scheme 2023. Collection method: clinical testing. Allele origin: germline.
Comment: The p.T1559I variant (also known as c.4676C>T), located in coding exon 36 of the POLE gene, results from a C to T substitution at nucleotide position 4676. The threonine at codon 1559 is replaced by isoleucine, an amino acid with similar properties. This amino acid position is well conserved in available vertebrate species. In addition, this alteration is predicted to be tolerated by in silico analysis. Based on the available evidence, the clinical significance of this variant remains unclear.

NM_006231.4(POLE):c.4676C>T (p.Thr1559Ile)

Gene: POLE (DNA polymerase epsilon, catalytic subunit; minus strand). Cytogenetic location: 12q24.33.
Variant type: single nucleotide variant.
Coding change: c.4676C>T on transcript NM_006231.4 (MANE Select); coding-DNA position 4676, C replaced by T.
Protein change: p.Thr1559Ile; replaces threonine 1559 with isoleucine.
Molecular consequence: missense variant.
Genome position (GRCh38, 1-based): chr12:132,642,872, G>A on the plus strand (C>T on the coding strand, the complement: POLE is on the minus strand). VCF-style: chr12-132642872-G-A. GRCh37 (hg19) VCF-style: chr12-133219458-G-A.
Other names: short protein forms T1559I.
Identifiers: ClinVar variation 4862254 (VCV004862254.1).